The following is an entry in ClinVar:

ClinVar aggregate classification (germline): Uncertain significance (1 of 4 stars; one submission).

Allele frequency attached by ClinVar (database versions not stated): gnomAD exomes below 0.00001.
gnomAD v4.1: 1 of 1,614,092 alleles (0.000062%); highest among the groups gnomAD compares: Non-Finnish European, 0.000085%; no homozygotes.

Submission:

Labcorp Genetics (formerly Invitae), Labcorp
Classification: Uncertain significance. Last evaluated: 2022-08-02. Review status: criteria provided, single submitter. Criteria: Invitae Variant Classification Sherloc (09022015). Collection method: clinical testing. Allele origin: germline.
Comment: In summary, the available evidence is currently insufficient to determine the role of this variant in disease. Therefore, it has been classified as a Variant of Uncertain Significance. Algorithms developed to predict the effect of missense changes on protein structure and function are either unavailable or do not agree on the potential impact of this missense change (SIFT: "Not Available"; PolyPhen-2: "Probably Damaging"; Align-GVGD: "Not Available"). This variant has not been reported in the literature in individuals affected with ANK3-related conditions. This variant is not present in population databases (gnomAD no frequency). This sequence change replaces serine, which is neutral and polar, with leucine, which is neutral and non-polar, at codon 3207 of the ANK3 protein (p.Ser3207Leu).

NM_020987.5(ANK3):c.9620C>T (p.Ser3207Leu)

Gene: ANK3 (ankyrin 3; minus strand). Cytogenetic location: 10q21.2.
Variant type: single nucleotide variant.
Coding change: c.9620C>T on transcript NM_020987.5 (MANE Select); coding-DNA position 9620, C replaced by T.
Protein change: p.Ser3207Leu; replaces serine 3207 with leucine.
Molecular consequence: missense variant. On other transcripts: intron variant (4).
Genome position (GRCh38, 1-based): chr10:60,071,261, G>A on the plus strand (C>T on the coding strand, the complement: ANK3 is on the minus strand). VCF-style: chr10-60071261-G-A. GRCh37 (hg19) VCF-style: chr10-61831019-G-A.
Other names: c.4388-3252C>T (NM_001204403.2); c.4409-3252C>T (NM_001204404.2); c.4406-3252C>T (NM_001320874.2); c.1808-3252C>T (NM_001149.4); short protein forms S3207L.
Identifiers: ClinVar variation 1714393 (VCV001714393.5), dbSNP rs2492531684, ClinGen allele CA377002772.